The following is an entry in ClinVar:

NM_000051.4(ATM):c.2401G>A (p.Gly801Ser)

Gene: ATM (ATM serine/threonine kinase; plus strand). Cytogenetic location: 11q22.3.
Variant type: single nucleotide variant.
Coding change: c.2401G>A on transcript NM_000051.4 (MANE Select); coding-DNA position 2401, G replaced by A.
Protein change: p.Gly801Ser; replaces glycine 801 with serine.
Molecular consequence: missense variant.
Genome position (GRCh38, 1-based): chr11:108,259,010, G>A. VCF-style: chr11-108259010-G-A. GRCh37 (hg19) VCF-style: chr11-108129737-G-A.
Other names: c.2401G>A, p.Gly801Ser (NM_001351834.2); short protein forms G801S.
Identifiers: ClinVar variation 566064 (VCV000566064.11), dbSNP rs1565399865, ClinGen allele CA382541136.

ClinVar aggregate classification (germline): Uncertain significance. Review status: criteria provided, multiple submitters, no conflicts (2 of 4 stars). 2 submissions from 2 submitters: Uncertain significance (2). Last evaluated 2024-06-20.

Conditions:
Hereditary cancer-predisposing syndrome. Also called: Neoplastic Syndromes, Hereditary; Tumor predisposition; Hereditary Cancer Syndrome; Hereditary neoplastic syndrome. Identifiers: Orphanet 140162, MedGen C0027672, MeSH D009386, MONDO:0015356.
Ataxia-telangiectasia syndrome (AT). Also called: Ataxia telangiectasia (A-T); Ataxia-telangiectasia, complementation group D; AT, COMPLEMENTATION GROUP C; ATAXIA-TELANGIECTASIA, COMPLEMENTATION GROUP A; Ataxia-telangiectasia, complementation group E; ATAXIA-TELANGIECTASIA, FRESNO VARIANT. Identifiers: Orphanet 100, MedGen C0004135, MONDO:0008840, OMIM 208900.

Submissions (2):

Ambry Genetics
Classification: Uncertain significance for Hereditary cancer-predisposing syndrome. Last evaluated: 2024-06-20. Review status: criteria provided, single submitter. Criteria: Ambry Variant Classification Scheme 2023. Collection method: clinical testing. Allele origin: germline.
Comment: The p.G801S variant (also known as c.2401G>A), located in coding exon 15 of the ATM gene, results from a G to A substitution at nucleotide position 2401. The glycine at codon 801 is replaced by serine, an amino acid with similar properties. This amino acid position is not well conserved in available vertebrate species. In addition, this alteration is predicted to be tolerated by in silico analysis. Based on the available evidence, the clinical significance of this variant remains unclear.

Labcorp Genetics (formerly Invitae), Labcorp
Classification: Uncertain significance for Ataxia-telangiectasia syndrome. Last evaluated: 2023-11-12. Review status: criteria provided, single submitter. Criteria: Invitae Variant Classification Sherloc (09022015). Collection method: clinical testing. Allele origin: germline.
Comment: This sequence change replaces glycine, which is neutral and non-polar, with serine, which is neutral and polar, at codon 801 of the ATM protein (p.Gly801Ser). This variant is not present in population databases (gnomAD no frequency). This variant has not been reported in the literature in individuals affected with ATM-related conditions. ClinVar contains an entry for this variant (Variation ID: 566064). Algorithms developed to predict the effect of missense changes on protein structure and function output the following: SIFT: "Not Available"; PolyPhen-2: "Benign"; Align-GVGD: "Not Available". The serine amino acid residue is found in multiple mammalian species, which suggests that this missense change does not adversely affect protein function. In summary, the available evidence is currently insufficient to determine the role of this variant in disease. Therefore, it has been classified as a Variant of Uncertain Significance.